The following is an entry in ClinVar:

NM_020163.3(SEMA3G):c.1950G>A (p.Ala650=)

Gene: SEMA3G (semaphorin 3G; minus strand). Cytogenetic location: 3p21.1.
Variant type: single nucleotide variant.
Coding change: c.1950G>A on transcript NM_020163.3 (MANE Select); coding-DNA position 1950, G replaced by A.
Protein change: p.Ala650=; no amino-acid change (alanine 650 retained).
Molecular consequence: synonymous variant.
Genome position (GRCh38, 1-based): chr3:52,436,002, C>T on the plus strand (G>A on the coding strand, the complement: SEMA3G is on the minus strand). VCF-style: chr3-52436002-C-T. GRCh37 (hg19) VCF-style: chr3-52470018-C-T.
Identifiers: ClinVar variation 3032944 (VCV003032944.2), dbSNP rs558407652, ClinGen allele CA2437748.

ClinVar aggregate classification (germline): Likely benign (0 of 4 stars; one submission).

Conditions:
SEMA3G-related disorder. Also called: SEMA3G-related condition.

Allele frequency attached by ClinVar (database versions not stated): gnomAD 0.00005; TOPMed 0.00006; 1000 Genomes Project 30x 0.00016; ExAC 0.00016; 1000 Genomes Project 0.00020.
gnomAD v4.1: 87 of 1,613,776 alleles (0.0054%); highest among the groups gnomAD compares: Middle Eastern, 0.099%; no homozygotes.

Submission:

PreventionGenetics, part of Exact Sciences
Classification: Likely benign for SEMA3G-related condition. Last evaluated: 2023-08-10. Review status: no assertion criteria provided. Collection method: clinical testing. Allele origin: germline.
Comment: This variant is classified as likely benign based on ACMG/AMP sequence variant interpretation guidelines (Richards et al. 2015 PMID: 25741868, with internal and published modifications).